The following is an entry in ClinVar:

NM_000051.4(ATM):c.2491G>A (p.Asp831Asn)

Gene: ATM (ATM serine/threonine kinase; plus strand). Cytogenetic location: 11q22.3.
Variant type: single nucleotide variant.
Coding change: c.2491G>A on transcript NM_000051.4 (MANE Select); coding-DNA position 2491, G replaced by A.
Protein change: p.Asp831Asn; replaces aspartic acid 831 with asparagine.
Molecular consequence: missense variant.
Genome position (GRCh38, 1-based): chr11:108,267,195, G>A. VCF-style: chr11-108267195-G-A. GRCh37 (hg19) VCF-style: chr11-108137922-G-A.
Other names: c.2491G>A, p.Asp831Asn (NM_001351834.2); short protein forms D831N.
Identifiers: ClinVar variation 407592 (VCV000407592.12), dbSNP rs1060501595, ClinGen allele CA16613093.
Genomic context (GRCh38, chr11:108,267,195, plus strand): 5'-AGCCATCTTGAACATCTTTGTTTCTCTTCCTTGAAGGCATCCTTCATCAAAAAGCCATTT[G>A]ACCGTGGAGAAGTAGAATCAATGGAAGATGATACTAATGGAAATCTAATGGAGGTGGAGG-3'
Protein context (NP_000042.3, residues 821-841): SLASFIKKPF[Asp831Asn]RGEVESMEDD

ClinVar aggregate classification (germline): Uncertain significance. Review status: criteria provided, multiple submitters, no conflicts (2 of 4 stars). 3 submissions from 3 submitters: Uncertain significance (3). Last evaluated 2024-02-05.

Conditions:
Hereditary cancer-predisposing syndrome. Also called: Hereditary neoplastic syndrome; Neoplastic Syndromes, Hereditary; Tumor predisposition; Hereditary Cancer Syndrome. Identifiers: Orphanet 140162, MedGen C0027672, MeSH D009386, MONDO:0015356.
Ataxia-telangiectasia syndrome (AT). Also called: Ataxia telangiectasia (A-T); LOUIS-BAR SYNDROME; Cerebello-oculocutaneous telangiectasia; Immunodeficiency with ataxia telangiectasia; Ataxia-telangiectasia, complementation group D; AT, COMPLEMENTATION GROUP C. Identifiers: Orphanet 100, MedGen C0004135, MONDO:0008840, OMIM 208900.

Allele frequency attached by ClinVar (database versions not stated): gnomAD exomes below 0.00001.
gnomAD v4.1: 1 of 1,614,052 alleles (0.000062%); highest among the groups gnomAD compares: Non-Finnish European, 0.000085%; no homozygotes.

Submissions (3):

Women's Health and Genetics/Laboratory Corporation of America, LabCorp
Classification: Uncertain significance. Last evaluated: 2024-02-05. Review status: criteria provided, single submitter. Criteria: LabCorp Variant Classification Summary - May 2015. Collection method: clinical testing. Allele origin: germline.

Ambry Genetics
Classification: Uncertain significance for Hereditary cancer-predisposing syndrome. Last evaluated: 2021-04-23. Review status: criteria provided, single submitter. Criteria: Ambry Variant Classification Scheme 2023. Collection method: clinical testing. Allele origin: germline.
Comment: The p.D831N variant (also known as c.2491G>A), located in coding exon 16 of the ATM gene, results from a G to A substitution at nucleotide position 2491. The aspartic acid at codon 831 is replaced by asparagine, an amino acid with highly similar properties. This amino acid position is well conserved in available vertebrate species. In addition, this alteration is predicted to be tolerated by in silico analysis. Since supporting evidence is limited at this time, the clinical significance of this alteration remains unclear.

Labcorp Genetics (formerly Invitae), Labcorp
Classification: Uncertain significance for Ataxia-telangiectasia syndrome. Last evaluated: 2018-04-16. Review status: criteria provided, single submitter. Criteria: Invitae Variant Classification Sherloc (09022015). Collection method: clinical testing. Allele origin: germline.
Comment: This variant has not been reported in the literature in individuals with ATM-related disease. ClinVar contains an entry for this variant (Variation ID: 407592). This sequence change replaces aspartic acid with asparagine at codon 831 of the ATM protein (p.Asp831Asn). The aspartic acid residue is weakly conserved and there is a small physicochemical difference between aspartic acid and asparagine. This variant is not present in population databases (ExAC no frequency). Algorithms developed to predict the effect of missense changes on protein structure and function (SIFT, PolyPhen-2, Align-GVGD) all suggest that this variant is likely to be tolerated, but these predictions have not been confirmed by published functional studies and their clinical significance is uncertain. In summary, the available evidence is currently insufficient to determine the role of this variant in disease. Therefore, it has been classified as a Variant of Uncertain Significance.